The following is an entry in ClinVar:

NM_020831.6(MRTFA):c.701A>G (p.Gln234Arg)

Gene: MRTFA (myocardin related transcription factor A; minus strand). Cytogenetic location: 22q13.1.
Variant type: single nucleotide variant.
Coding change: c.701A>G on transcript NM_020831.6 (MANE Select); coding-DNA position 701, A replaced by G.
Protein change: p.Gln234Arg; replaces glutamine 234 with arginine.
Molecular consequence: missense variant.
Genome position (GRCh38, 1-based): chr22:40,424,282, T>C on the plus strand (A>G on the coding strand, the complement: MRTFA is on the minus strand). VCF-style: chr22-40424282-T-C. GRCh37 (hg19) VCF-style: chr22-40820286-T-C.
Other names: c.401A>G, p.Gln134Arg (NM_001282660.2); c.701A>G, p.Gln234Arg (NM_001282661.3, NM_001282662.3); c.506A>G, p.Gln169Arg (NM_001318139.2); short protein forms Q134R, Q169R, Q234R.
Identifiers: ClinVar variation 3652575 (VCV003652575.2).

ClinVar aggregate classification (germline): Uncertain significance (1 of 4 stars; one submission).

Submission:

Labcorp Genetics (formerly Invitae), Labcorp
Classification: Uncertain significance. Last evaluated: 2024-11-19. Review status: criteria provided, single submitter. Criteria: Invitae Variant Classification Sherloc (09022015). Collection method: clinical testing. Allele origin: germline.
Comment: This sequence change replaces glutamine, which is neutral and polar, with arginine, which is basic and polar, at codon 134 of the MKL1 protein (p.Gln134Arg). This variant is not present in population databases (gnomAD no frequency). This variant has not been reported in the literature in individuals affected with MKL1-related conditions. An algorithm developed to predict the effect of missense changes on protein structure and function (PolyPhen-2) suggests that this variant is likely to be tolerated. In summary, the available evidence is currently insufficient to determine the role of this variant in disease. Therefore, it has been classified as a Variant of Uncertain Significance.